The following is an entry in ClinVar:

NM_015272.5(RPGRIP1L):c.3263T>C (p.Ile1088Thr)

Gene: RPGRIP1L (RPGRIP1 like; minus strand). Cytogenetic location: 16q12.2.
Variant type: single nucleotide variant.
Coding change: c.3263T>C on transcript NM_015272.5 (MANE Select); coding-DNA position 3263, T replaced by C.
Protein change: p.Ile1088Thr; replaces isoleucine 1088 with threonine.
Molecular consequence: missense variant.
Genome position (GRCh38, 1-based): chr16:53,636,470, A>G on the plus strand (T>C on the coding strand, the complement: RPGRIP1L is on the minus strand). VCF-style: chr16-53636470-A-G. GRCh37 (hg19) VCF-style: chr16-53670382-A-G.
Other names: c.3161T>C, p.Ile1054Thr (NM_001127897.4, NM_001330538.2); c.3263T>C, p.Ile1088Thr (NM_001308334.3); short protein forms I1054T, I1088T.
Identifiers: ClinVar variation 999112 (VCV000999112.9), dbSNP rs1185071339, ClinGen allele CA395925690.
Genomic context (GRCh38, chr16:53,636,470, plus strand): 5'-ACATTTCTAGTTGGCATCAAGTTACTGACCTGTTTGATATTCTTGGAGATAGGACCTGGA[A>G]TAATACAGTCATCACTGTCAGAAGCTGACATGTCCTCTTCAACTGTTTAAAAAATAAAAG-3'
Protein context (NP_056087.2, residues 1078-1098): MSASDSDDCI[Ile1088Thr]PGPISKNIKQ

ClinVar aggregate classification (germline): Uncertain significance (1 of 4 stars; one submission).

Conditions:
Joubert syndrome. Also called: Familial aplasia of the vermis; CEREBELLOPARENCHYMAL DISORDER IV; JOUBERT-BOLTSHAUSER SYNDROME. Identifiers: Orphanet 475, MedGen C5979921, MONDO:0018772.
Meckel-Gruber syndrome. Also called: Dysencephalia splachnocystica; DYSENCEPHALIA SPLANCHNOCYSTICA; GRUBER SYNDROME. Identifiers: Orphanet 564, MedGen C0265215, MONDO:0018921.

gnomAD v4.1: 1 of 1,612,606 alleles (0.000062%); highest among the groups gnomAD compares: Non-Finnish European, 0.000085%; no homozygotes.

Submission:

Labcorp Genetics (formerly Invitae), Labcorp
Classification: Uncertain significance for Joubert syndrome; Meckel-Gruber syndrome. Last evaluated: 2020-08-19. Review status: criteria provided, single submitter. Criteria: Invitae Variant Classification Sherloc (09022015). Collection method: clinical testing. Allele origin: germline.
Comment: In summary, the available evidence is currently insufficient to determine the role of this variant in disease. Therefore, it has been classified as a Variant of Uncertain Significance. Algorithms developed to predict the effect of missense changes on protein structure and function (SIFT, PolyPhen-2, Align-GVGD) all suggest that this variant is likely to be tolerated, but these predictions have not been confirmed by published functional studies and their clinical significance is uncertain. This variant has not been reported in the literature in individuals with RPGRIP1L-related conditions. This variant is not present in population databases (ExAC no frequency). This sequence change replaces isoleucine with threonine at codon 1088 of the RPGRIP1L protein (p.Ile1088Thr). The isoleucine residue is moderately conserved and there is a moderate physicochemical difference between isoleucine and threonine.